The following is an entry in ClinVar:

NM_000545.8(HNF1A):c.526+4A>G

Gene: HNF1A (HNF1 homeobox A; plus strand). Cytogenetic location: 12q24.31.
Variant type: single nucleotide variant.
Coding change: c.526+4A>G on transcript NM_000545.8 (MANE Select); 4 bases into the intron after coding-DNA position 526, A replaced by G.
Molecular consequence: intron variant.
Genome position (GRCh38, 1-based): chr12:120,989,036, A>G. VCF-style: chr12-120989036-A-G. GRCh37 (hg19) VCF-style: chr12-121426839-A-G.
Other names: NM_001306179.2:c.526+4A>G; c.526+4A>G (NM_001306179.2, NM_001406915.1).
Identifiers: ClinVar variation 3767147 (VCV003767147.1).

ClinVar aggregate classification (germline): Uncertain significance (3 of 4 stars; one submission).

Conditions:
Monogenic diabetes. Identifiers: Orphanet 183625, MedGen C3888631, MONDO:0015967.

Submission:

ClinGen Monogenic Diabetes Variant Curation Expert Panel
Classification: Uncertain significance for Monogenic diabetes. Last evaluated: 2025-02-11. Review status: reviewed by expert panel. Criteria: ClinGen Diabetes ACMG Specifications HNF1A V2.1.0. Collection method: curation. Allele origin: germline. Inheritance: Autosomal dominant inheritance.
Comment: The c.526+4A>G variant in the HNF1 homeobox A gene, HNF1A, is predicted to alter the splice donor site in intron 2 of NM_000545.8. This variant is absent from gnomAD v2.1.1 (PM2_Supporting). The computational splicing predictor SpliceAI gives a score of 0.48 for donor loss and a score of 0.96 for cryptic donor gain, predicting that the variant disrupts the donor site of intron 2 of HNF1A (PP3). This variant was identified in an individual with a clinical history highly specific for HNF1A-monogenic diabetes (MODY probability calculator result >50%, negative genetic testing for HNF4A, and negative GAD and IA2 antibodies) (PP4_Moderate; internal lab contributors). In summary, c.526+4A>G meets the criteria to be classified as a variant of uncertain significance for monogenic diabetes. ACMG/AMP criteria applied, as specified by the ClinGen MDEP (specification version 2.1.0, approved 8/11/2023): PM2_Supporting, PP3, PP4_Moderate.